The following is an entry in ClinVar:

ClinVar aggregate classification (germline): Conflicting classifications of pathogenicity. Review status: criteria provided, conflicting classifications (1 of 4 stars). 2 submissions from 2 submitters: Likely pathogenic (1); Uncertain significance (1). Last evaluated 2024-09-29.

Conditions:
Autosomal dominant hypocalcemia 1 (HYPOC1). Also called: HYPOCALCEMIA, FAMILIAL. Identifiers: MedGen C3715128, MONDO:0011013, OMIM 601198.
Familial hypocalciuric hypercalcemia (FHH). Also called: Familial benign hypercalcemia. Identifiers: Orphanet 405, MedGen C1809471, MONDO:0018458.

Allele frequency attached by ClinVar (database versions not stated): gnomAD exomes below 0.00001.
gnomAD v4.1: 1 of 1,614,200 alleles (0.000062%); highest among the groups gnomAD compares: South Asian, 0.0011%; no homozygotes.

Submissions (2):

GeneDx
Classification: Likely pathogenic. Last evaluated: 2024-09-29. Review status: criteria provided, single submitter. Criteria: GeneDx Variant Classification Process June 2021. Collection method: clinical testing. Allele origin: germline. Affected: yes.
Comment: Not observed at significant frequency in large population cohorts (gnomAD); In silico analysis supports that this missense variant has a deleterious effect on protein structure/function; This variant is associated with the following publications: (PMID: BaoJWK2017[article], 19759318, 12580936, 25104082, 26963950, 22422767)

Labcorp Genetics (formerly Invitae), Labcorp
Classification: Uncertain significance for Familial hypocalciuric hypercalcemia; Autosomal dominant hypocalcemia 1. Last evaluated: 2024-06-05. Review status: criteria provided, single submitter. Criteria: Invitae Variant Classification Sherloc (09022015). Collection method: clinical testing. Allele origin: germline.
Comment: This sequence change replaces tyrosine, which is neutral and polar, with histidine, which is basic and polar, at codon 218 of the CASR protein (p.Tyr218His). This variant is not present in population databases (gnomAD no frequency). This missense change has been observed in individual(s) with familial hypocalciuric hypercalcaemia (PMID: 22422767). ClinVar contains an entry for this variant (Variation ID: 964024). An algorithm developed to predict the effect of missense changes on protein structure and function (PolyPhen-2) suggests that this variant is likely to be disruptive. This variant disrupts the p.Tyr218 amino acid residue in CASR. Other variant(s) that disrupt this residue have been determined to be pathogenic (PMID: 12580936, 19759318, 25104082, 26963950). This suggests that this residue is clinically significant, and that variants that disrupt this residue are likely to be disease-causing. In summary, the available evidence is currently insufficient to determine the role of this variant in disease. Therefore, it has been classified as a Variant of Uncertain Significance.

Literature cited by the submitters: PubMed 22422767 (cited by Labcorp Genetics (formerly Invitae), Labcorp); PubMed 12580936 (cited by Labcorp Genetics (formerly Invitae), Labcorp); PubMed 19759318 (cited by Labcorp Genetics (formerly Invitae), Labcorp); PubMed 25104082 (cited by Labcorp Genetics (formerly Invitae), Labcorp); PubMed 26963950 (cited by Labcorp Genetics (formerly Invitae), Labcorp).

NM_000388.4(CASR):c.652T>C (p.Tyr218His)

Gene: CASR (calcium sensing receptor; plus strand). Cytogenetic location: 3q21.1.
Variant type: single nucleotide variant.
Coding change: c.652T>C on transcript NM_000388.4 (MANE Select); coding-DNA position 652, T replaced by C.
Protein change: p.Tyr218His; replaces tyrosine 218 with histidine.
Molecular consequence: missense variant.
Genome position (GRCh38, 1-based): chr3:122,261,687, T>C. VCF-style: chr3-122261687-T-C. GRCh37 (hg19) VCF-style: chr3-121980534-T-C.
Other names: c.652T>C, p.Tyr218His (NM_001178065.2); short protein forms Y218H.
Identifiers: ClinVar variation 964024 (VCV000964024.11), dbSNP rs1057520583, ClinGen allele CA354151052.
Genomic context (GRCh38, chr3:122,261,687, plus strand): 5'-GCAGACATCATCGAGTATTTCCGCTGGAACTGGGTGGGCACAATTGCAGCTGATGACGAC[T>C]ATGGGCGGCCGGGGATTGAGAAATTCCGAGAGGAAGCTGAGGAAAGGGATATCTGCATCG-3'
Protein context (NP_000379.3, residues 208-228): WVGTIAADDD[Tyr218His]GRPGIEKFRE